The following is an entry in ClinVar:

ClinVar aggregate classification (germline): Uncertain significance (1 of 4 stars; one submission).

Conditions:
Inflammatory skin and bowel disease, neonatal, 1. Identifiers: Orphanet 294023, MedGen C3280501, MONDO:0013693, OMIM 614328.

Allele frequency attached by ClinVar (database versions not stated): gnomAD exomes 0.00003; gnomAD 0.00004 and 0.00005; TOPMed 0.00005; ExAC 0.00006; ESP Exome Variant Server 0.00008; 1000 Genomes Project 30x 0.00016; 1000 Genomes Project 0.00020.

Submission:

Labcorp Genetics (formerly Invitae), Labcorp
Classification: Uncertain significance for Inflammatory skin and bowel disease, neonatal, 1. Last evaluated: 2023-06-04. Review status: criteria provided, single submitter. Criteria: Invitae Variant Classification Sherloc (09022015). Collection method: clinical testing. Allele origin: germline.
Comment: In summary, the available evidence is currently insufficient to determine the role of this variant in disease. Therefore, it has been classified as a Variant of Uncertain Significance. An algorithm developed to predict the effect of missense changes on protein structure and function (PolyPhen-2) suggests that this variant¬†is likely to be tolerated. ClinVar contains an entry for this variant (Variation ID: 1016305). This variant has not been reported in the literature in individuals affected with ADAM17-related conditions. This variant is present in population databases (rs142946965, gnomAD 0.007%). This sequence change replaces arginine, which is basic and polar, with isoleucine, which is neutral and non-polar, at codon 215 of the ADAM17 protein (p.Arg215Ile).

NM_003183.6(ADAM17):c.644G>T (p.Arg215Ile)

Gene: ADAM17 (ADAM metallopeptidase domain 17; minus strand). Cytogenetic location: 2p25.1.
Variant type: single nucleotide variant.
Coding change: c.644G>T on transcript NM_003183.6 (MANE Select); coding-DNA position 644, G replaced by T.
Protein change: p.Arg215Ile; replaces arginine 215 with isoleucine.
Molecular consequence: missense variant. On other transcripts: 5 prime UTR variant (2).
Genome position (GRCh38, 1-based): chr2:9,526,220, C>A on the plus strand (G>T on the coding strand, the complement: ADAM17 is on the minus strand). VCF-style: chr2-9526220-C-A. GRCh37 (hg19) VCF-style: chr2-9666349-C-A.
Other names: c.-17G>T (NM_001382777.1); c.-259G>T (NM_001382778.1); short protein forms R215I.
Identifiers: ClinVar variation 1016305 (VCV001016305.7), dbSNP rs142946965, ClinGen allele CA1523705.